The following is an entry in ClinVar:

ClinVar aggregate classification (germline): Conflicting classifications of pathogenicity. Review status: criteria provided, conflicting classifications (1 of 4 stars). 13 submissions from 13 submitters: Uncertain significance (2); Benign (2); Likely benign (6). 3 of the submissions do not count toward it. Last evaluated 2026-09-01.

Conditions:
Cardiovascular phenotype. Identifiers: MedGen CN230736.
Brittle cornea syndrome 1 (BCS1). Also called: Corneal fragility keratoglobus, blue sclerae AND joint hypermobility; DYSGENESIS MESODERMALIS CORNEAE ET SCLERAE; CORNEAL FRAGILITY, KERATOGLOBUS, BLUE SCLERAE, JOINT HYPEREXTENSIBILITY; EDS6B; FRAGILITAS OCULI WITH JOINT HYPEREXTENSIBILITY. Identifiers: Orphanet 90354, MedGen C0268344, MONDO:0024543, OMIM 229200.
ZNF469-related disorder. Also called: ZNF469-related condition.
Ehlers-Danlos syndrome (EDS). Identifiers: Orphanet 98249, MedGen C0013720, MONDO:0020066.

Allele frequency attached by ClinVar (database versions not stated): ExAC 0.00114; 1000 Genomes Project 0.00120; 1000 Genomes Project 30x 0.00156; gnomAD exomes 0.00243 and 0.00323; TOPMed 0.00263; gnomAD 0.00275 and 0.00283.
gnomAD v4.1: 4,917 of 1,549,936 alleles (0.32%); highest among the groups gnomAD compares: Admixed American, 0.46%; 13 homozygotes.

Submissions (13):

CeGaT Center for Human Genetics Tuebingen
Classification: Likely benign. Last evaluated: 2026-09-01. Review status: criteria provided, single submitter. Criteria: CeGaT Center For Human Genetics Tuebingen Variant Classification Criteria Version 2. Collection method: clinical testing. Allele origin: germline. Affected: yes. Observed: 26 variant alleles.
Comment: ZNF469: BP4, BS2

Women's Health and Genetics/Laboratory Corporation of America, LabCorp
Classification: Likely benign. Last evaluated: 2026-03-05. Review status: criteria provided, single submitter. Criteria: LabCorp Variant Classification Summary - May 2015. Collection method: clinical testing. Allele origin: germline.
Comment: Variant summary: ZNF469 c.1615A>T (p.Ser539Cys) results in a non-conservative amino acid change in the encoded protein sequence. Algorithms developed to predict the effect of missense changes on protein structure and function are either unavailable or do not agree on the potential impact of this missense change. The variant allele was found at a frequency of 0.0024 in 144216 control chromosomes, predominantly at a frequency of 0.0044 within the Latino subpopulation in the gnomAD database. The observed variant frequency within Latino control individuals in the gnomAD database exceeds the estimated maximal expected allele frequency for disease-causing variants in ZNF469. To our knowledge, no occurrence of c.1615A>T in individuals affected with ZNF469-related conditions and no experimental evidence demonstrating its impact on protein function have been reported. ClinVar contains an entry for this variant (Variation ID: 320869). Based on the evidence outlined above, the variant was classified as likely benign.

Labcorp Genetics (formerly Invitae), Labcorp
Classification: Likely benign. Last evaluated: 2026-02-03. Review status: criteria provided, single submitter. Criteria: Invitae Variant Classification Sherloc (09022015). Collection method: clinical testing. Allele origin: germline.

Mayo Clinic Laboratories, Mayo Clinic
Classification: Benign. Last evaluated: 2025-08-27. Review status: criteria provided, single submitter. Criteria: ACMG Guidelines, 2015. Collection method: clinical testing. Allele origin: germline. Observed: 25 variant alleles.
Comment: BS1, BS2, BP4_moderate

Blueprint Genetics
Classification: Likely benign. Last evaluated: 2024-11-25. Review status: criteria provided, single submitter. Criteria: ACMG Guidelines, 2015. Collection method: clinical testing. Allele origin: germline.

Center for Genomics, Ann and Robert H. Lurie Children's Hospital of Chicago
Classification: Uncertain significance for Brittle cornea syndrome 1. Last evaluated: 2022-04-26. Review status: criteria provided, single submitter. Criteria: ACMG Guidelines, 2015. Collection method: clinical testing. Allele origin: germline.
Comment: This variant has not been reported in the literature but is present in 0.6% (96/15280) of Latino alleles, including 1 homozygote, in the Genome Aggregation Database. This variant is also present in ClinVar, with multiple laboratories classifying it as likely benign (Variation ID: 320869). Evolutionary conservation and computational predictive tools suggest that this variant may not impact the protein. In summary, data on this variant suggests that this variant does not cause disease but requires further evidence. Therefore, this variant is classified as likely benign.

Genome Diagnostics Laboratory, The Hospital for Sick Children
Classification: Likely benign for Ehlers-Danlos syndrome. Last evaluated: 2022-04-20. Review status: criteria provided, single submitter. Criteria: ACMG Guidelines, 2015. Collection method: clinical testing. Allele origin: germline.

GeneDx
Classification: Likely benign. Last evaluated: 2021-06-02. Review status: criteria provided, single submitter. Criteria: GeneDx Variant Classification Process June 2021. Collection method: clinical testing. Allele origin: germline. Affected: yes.
Comment: This variant is associated with the following publications: (PMID: 24895405)

Ambry Genetics
Classification: Benign for Cardiovascular phenotype. Last evaluated: 2019-02-16. Review status: criteria provided, single submitter. Criteria: Ambry Variant Classification Scheme 2023. Collection method: clinical testing. Allele origin: germline.

Eurofins Ntd Llc (ga)
Classification: Uncertain significance. Last evaluated: 2017-07-19. Review status: criteria provided, single submitter. Criteria: EGL Classification Definitions 2015. Collection method: clinical testing. Allele origin: germline. Observed: 1 variant allele, 1 heterozygote.

PreventionGenetics, part of Exact Sciences
Classification: Likely benign for ZNF469-related condition. Last evaluated: 2022-09-03. Review status: no assertion criteria provided. Collection method: clinical testing. Allele origin: germline. Not counted in ClinVar's aggregate classification.
Comment: This variant is classified as likely benign based on ACMG/AMP sequence variant interpretation guidelines (Richards et al. 2015 PMID: 25741868, with internal and published modifications).

Clinical Genetics DNA and cytogenetics Diagnostics Lab, Erasmus MC, Erasmus Medical Center
Classification: Likely benign. Review status: no assertion criteria provided. Collection method: clinical testing. Allele origin: germline. Affected: yes. Study: VKGL Data-share Consensus. Not counted in ClinVar's aggregate classification.

Genome Diagnostics Laboratory, Amsterdam University Medical Center
Classification: Likely benign. Review status: no assertion criteria provided. Collection method: clinical testing. Allele origin: germline. Affected: yes. Study: VKGL Data-share Consensus. Not counted in ClinVar's aggregate classification.

Literature cited by the submitters: PubMed 24895405 (cited by Mayo Clinic Laboratories, Mayo Clinic).

NM_001367624.2(ZNF469):c.1615A>T (p.Ser539Cys)

Gene: ZNF469 (zinc finger protein 469; plus strand). Cytogenetic location: 16q24.2.
Variant type: single nucleotide variant.
Coding change: c.1615A>T on transcript NM_001367624.2 (MANE Select); coding-DNA position 1615, A replaced by T.
Protein change: p.Ser539Cys; replaces serine 539 with cysteine.
Molecular consequence: missense variant.
Genome position (GRCh38, 1-based): chr16:88,429,085, A>T. VCF-style: chr16-88429085-A-T. GRCh37 (hg19) VCF-style: chr16-88495493-A-T.
Other names: NM_001127464.1:c.1615A>T; NM_001127464.2:c.1615A>T; p.Ser539Cys; short protein forms S539C.
Identifiers: ClinVar variation 320869 (VCV000320869.68), dbSNP rs189476639, ClinGen allele CA8224691.